The following is an entry in ClinVar:

ClinVar aggregate classification (germline): Conflicting classifications of pathogenicity. Review status: criteria provided, conflicting classifications (1 of 4 stars). 4 submissions from 4 submitters: Uncertain significance (3); Benign (1). Last evaluated 2026-01-18.

Conditions:
Hereditary cancer-predisposing syndrome. Also called: Tumor predisposition; Hereditary neoplastic syndrome; Neoplastic Syndromes, Hereditary; Hereditary Cancer Syndrome. Identifiers: Orphanet 140162, MedGen C0027672, MeSH D009386, MONDO:0015356.
Ovarian cancer. Also called: OVARIAN CANCER, SOMATIC. Identifiers: Orphanet 213500, MedGen C1140680, MONDO:0008170, OMIM 167000.
Bloom syndrome (BLM). Also called: Bloom-Torre-Machacek syndrome. Identifiers: Orphanet 125, MedGen C0005859, MONDO:0008876, OMIM 210900.

gnomAD v4.1: 2 of 1,613,964 alleles (0.00012%); highest among the groups gnomAD compares: East Asian, 0.0022%; no homozygotes.

Submissions (4):

Labcorp Genetics (formerly Invitae), Labcorp
Classification: Uncertain significance for Bloom syndrome. Last evaluated: 2026-01-18. Review status: criteria provided, single submitter. Criteria: Invitae Variant Classification Sherloc (09022015). Collection method: clinical testing. Allele origin: germline.
Comment: This sequence change replaces aspartic acid, which is acidic and polar, with glutamic acid, which is acidic and polar, at codon 1316 of the BLM protein (p.Asp1316Glu). This variant is present in population databases (rs375896520, gnomAD no frequency). This variant has not been reported in the literature in individuals affected with BLM-related conditions. ClinVar contains an entry for this variant (Variation ID: 1361580). Invitae Evidence Modeling of protein sequence and biophysical properties (such as structural, functional, and spatial information, amino acid conservation, physicochemical variation, residue mobility, and thermodynamic stability) indicates that this missense variant is not expected to disrupt BLM protein function with a negative predictive value of 80%. In summary, the available evidence is currently insufficient to determine the role of this variant in disease. Therefore, it has been classified as a Variant of Uncertain Significance.

Ambry Genetics
Classification: Uncertain significance for Hereditary cancer-predisposing syndrome. Last evaluated: 2024-03-16. Review status: criteria provided, single submitter. Criteria: Ambry Variant Classification Scheme 2023. Collection method: clinical testing. Allele origin: germline.
Comment: The p.D1316E variant (also known as c.3948C>A), located in coding exon 20 of the BLM gene, results from a C to A substitution at nucleotide position 3948. The aspartic acid at codon 1316 is replaced by glutamic acid, an amino acid with highly similar properties. This amino acid position is not well conserved in available vertebrate species. In addition, this alteration is predicted to be tolerated by in silico analysis. Since supporting evidence is limited at this time, the clinical significance of this alteration remains unclear.

GeneDx
Classification: Uncertain significance. Last evaluated: 2023-07-05. Review status: criteria provided, single submitter. Criteria: GeneDx Variant Classification Process June 2021. Collection method: clinical testing. Allele origin: germline. Affected: yes.
Comment: Not observed at significant frequency in large population cohorts (gnomAD); In silico analysis supports that this missense variant does not alter protein structure/function; Has not been previously published as pathogenic or benign to our knowledge

Laboratory of Molecular Epidemiology of Birth Defects, West China Second University Hospital, Sichuan University
Classification: Benign for Ovarian cancer. Last evaluated: 2022-01-01. Review status: criteria provided, single submitter. Criteria: ACMG Guidelines, 2015. Collection method: clinical testing. Allele origin: germline. Affected: yes.

NM_000057.4(BLM):c.3948C>A (p.Asp1316Glu)

Gene: BLM (BLM RecQ like helicase; plus strand). Cytogenetic location: 15q26.1.
Variant type: single nucleotide variant.
Coding change: c.3948C>A on transcript NM_000057.4 (MANE Select); coding-DNA position 3948, C replaced by A.
Protein change: p.Asp1316Glu; replaces aspartic acid 1316 with glutamic acid.
Molecular consequence: missense variant.
Genome position (GRCh38, 1-based): chr15:90,811,278, C>A. VCF-style: chr15-90811278-C-A. GRCh37 (hg19) VCF-style: chr15-91354508-C-A.
Other names: c.3948C>A (NM_000057.3); c.3948C>A, p.Asp1316Glu (NM_001287246.2); c.3555C>A, p.Asp1185Glu (NM_001287247.2); c.2823C>A, p.Asp941Glu (NM_001287248.2); short protein forms D1185E, D1316E, D941E.
Identifiers: ClinVar variation 1361580 (VCV001361580.10), dbSNP rs375896520, ClinGen allele CA7739168.